The following is an entry in ClinVar:

NM_001111077.2(EZR):c.1062T>C (p.Tyr354=)

Gene: EZR (ezrin; minus strand). Cytogenetic location: 6q25.3.
Variant type: single nucleotide variant.
Coding change: c.1062T>C on transcript NM_001111077.2 (MANE Select); coding-DNA position 1062, T replaced by C.
Protein change: p.Tyr354=; no amino-acid change (tyrosine 354 retained).
Molecular consequence: synonymous variant.
Genome position (GRCh38, 1-based): chr6:158,770,792, A>G on the plus strand (T>C on the coding strand, the complement: EZR is on the minus strand). VCF-style: chr6-158770792-A-G. GRCh37 (hg19) VCF-style: chr6-159191824-A-G.
Other names: c.1062T>C, p.Tyr354= (NM_003379.5).
Identifiers: ClinVar variation 773733 (VCV000773733.9), dbSNP rs78196406, ClinGen allele CA4075106.

ClinVar aggregate classification (germline): Benign. Review status: criteria provided, multiple submitters, no conflicts (2 of 4 stars). 3 submissions from 3 submitters: Benign (2). 1 of the submissions does not count toward it. Last evaluated 2018-09-19.

Conditions:
EZR-related disorder. Also called: EZR-related condition.

Allele frequency attached by ClinVar (database versions not stated): gnomAD 0.00035 and 0.00050; gnomAD exomes 0.00044 and 0.00148; TOPMed 0.00072; ExAC 0.00149; 1000 Genomes Project 0.00200; 1000 Genomes Project 30x 0.00219.
gnomAD v4.1: 722 of 1,614,032 alleles (0.045%); highest among the groups gnomAD compares: East Asian, 1.5%; 5 homozygotes.

Submissions (3):

Labcorp Genetics (formerly Invitae), Labcorp
Classification: Benign. Last evaluated: 2018-09-19. Review status: criteria provided, single submitter. Criteria: Invitae Variant Classification Sherloc (09022015). Collection method: clinical testing. Allele origin: germline.

Genetic Services Laboratory, University of Chicago
Classification: Benign. Last evaluated: 2018-04-09. Review status: criteria provided, single submitter. Criteria: ACMG Guidelines, 2015. Collection method: clinical testing. Allele origin: germline. Affected: no.

PreventionGenetics, part of Exact Sciences
Classification: Benign for EZR-related condition. Last evaluated: 2019-03-29. Review status: no assertion criteria provided. Collection method: clinical testing. Allele origin: germline. Not counted in ClinVar's aggregate classification.
Comment: This variant is classified as benign based on ACMG/AMP sequence variant interpretation guidelines (Richards et al. 2015 PMID: 25741868, with internal and published modifications).